The following is an entry in ClinVar:

NM_005050.4(ABCD4):c.1060A>G (p.Met354Val)

Gene: ABCD4 (ATP binding cassette subfamily D member 4; minus strand). Cytogenetic location: 14q24.3.
Variant type: single nucleotide variant.
Coding change: c.1060A>G on transcript NM_005050.4 (MANE Select); coding-DNA position 1060, A replaced by G.
Protein change: p.Met354Val; replaces methionine 354 with valine.
Molecular consequence: missense variant. On other transcripts: non-coding transcript variant (10).
Genome position (GRCh38, 1-based): chr14:74,292,345, T>C on the plus strand (A>G on the coding strand, the complement: ABCD4 is on the minus strand). VCF-style: chr14-74292345-T-C. GRCh37 (hg19) VCF-style: chr14-74759048-T-C.
Other names: c.934A>G, p.Met312Val (NM_001353591.2, NM_001353592.2); c.799A>G, p.Met267Val (NM_001353593.2); c.748A>G, p.Met250Val (NM_001353594.2); c.646A>G, p.Met216Val (NM_001353595.2, NM_001353596.2); c.595A>G, p.Met199Val (NM_001353597.2); c.583A>G, p.Met195Val (NM_001353598.2, NM_001353599.2, NM_001353600.2 and 2 more transcripts); c.271A>G, p.Met91Val (NM_001353602.2, NM_001353603.2, NM_001353604.2 and 6 more transcripts); c.931A>G, p.Met311Val (NM_020323.1); and 1 more; short protein forms M216V, M250V, M354V, M199V, M91V, M267V, M311V, M195V.
Identifiers: ClinVar variation 2160603 (VCV002160603.1), dbSNP rs774535849, ClinGen allele CA7266944.

ClinVar aggregate classification (germline): Uncertain significance (1 of 4 stars; one submission).

Conditions:
Methylmalonic acidemia with homocystinuria, type cblJ (MAHCJ). Also called: METHYLMALONIC ACIDURIA AND HOMOCYSTINURIA, cblJ TYPE. Identifiers: Orphanet 369955, MedGen C3553915, MONDO:0013925, OMIM 614857.

Allele frequency attached by ClinVar (database versions not stated): gnomAD exomes 0.00001; ExAC 0.00005.
gnomAD v4.1: 19 of 1,614,134 alleles (0.0012%); highest among the groups gnomAD compares: Admixed American, 0.022%; 1 homozygote.

Submission:

Labcorp Genetics (formerly Invitae), Labcorp
Classification: Uncertain significance for Methylmalonic acidemia with homocystinuria, type cblJ. Last evaluated: 2022-03-26. Review status: criteria provided, single submitter. Criteria: Invitae Variant Classification Sherloc (09022015). Collection method: clinical testing. Allele origin: germline.
Comment: This sequence change replaces methionine, which is neutral and non-polar, with valine, which is neutral and non-polar, at codon 354 of the ABCD4 protein (p.Met354Val). This variant is present in population databases (rs774535849, gnomAD 0.04%). This variant has not been reported in the literature in individuals affected with ABCD4-related conditions. Advanced modeling of protein sequence and biophysical properties (such as structural, functional, and spatial information, amino acid conservation, physicochemical variation, residue mobility, and thermodynamic stability) performed at Invitae indicates that this missense variant is not expected to disrupt ABCD4 protein function. In summary, the available evidence is currently insufficient to determine the role of this variant in disease. Therefore, it has been classified as a Variant of Uncertain Significance.